The following is an entry in ClinVar:

ClinVar aggregate classification (germline): other (0 of 4 stars; one submission).

Conditions:
Familial colorectal cancer. Identifiers: MedGen CN280943, MONDO:0023113. Disease mechanism: loss of function.

Submission:

Systems Biology Platform Zhejiang California International NanoSystems Institute
Classification: other for Familial colorectal cancer. Review status: no assertion criteria provided. Collection method: not provided. Allele origin: unknown.
ClinVar note: Converted during submission from cancer to other.

NM_000038.6(APC):c.646-2478T>C

Gene: APC (APC regulator of WNT signaling pathway; plus strand). Cytogenetic location: 5q22.2.
Variant type: single nucleotide variant.
Coding change: c.646-2478T>C on transcript NM_000038.6 (MANE Select); 2478 bases into the intron before coding-DNA position 646, T replaced by C.
Molecular consequence: intron variant.
Genome position (GRCh38, 1-based): chr5:112,789,968, T>C. VCF-style: chr5-112789968-T-C. GRCh37 (hg19) VCF-style: chr5-112125665-T-C.
Other names: c.646-2478T>C (NM_001354895.2, NM_001127510.3, NM_001354896.2 and 1 more transcripts); c.676-2478T>C (NM_001354897.2, NM_001354902.2); c.675+9065T>C (NM_001127511.3); c.571-2478T>C (NM_001354898.2, NM_001354904.2); c.-390-2478T>C (NM_001354906.2); c.645+9065T>C (NM_001354899.2); c.469-2478T>C (NM_001354900.2, NM_001354901.2, NM_001354905.2).
Identifiers: ClinVar variation 82989 (VCV000082989.2), dbSNP rs78017053, ClinGen allele CA011743.